The following is an entry in ClinVar:

ClinVar aggregate classification (germline): Benign. Review status: criteria provided, multiple submitters, no conflicts (2 of 4 stars). 2 submissions from 2 submitters: Benign (2). Last evaluated 2018-01-13.

Conditions:
Autosomal dominant optic atrophy classic form (OPA1). Also called: KJER-TYPE OPTIC ATROPHY; OPTIC ATROPHY, JUVENILE; Optic Atrophy Type 1. Identifiers: Orphanet 98673, MedGen C0338508, MONDO:0008134, OMIM 165500.

Allele frequency attached by ClinVar (database versions not stated): gnomAD 0.00049 and 0.00073; TOPMed 0.00098; 1000 Genomes Project 0.00339; 1000 Genomes Project 30x 0.00390.

Submissions (2):

Illumina Laboratory Services, Illumina
Classification: Benign for Autosomal dominant optic atrophy classic form. Last evaluated: 2018-01-13. Review status: criteria provided, single submitter. Criteria: ICSL Variant Classification Criteria 13 December 2019. Collection method: clinical testing. Allele origin: germline.
Comment: This variant was observed in the ICSL laboratory as part of a predisposition screen in an ostensibly healthy population. It had not been previously curated by ICSL or reported in the Human Gene Mutation Database (HGMD: prior to June 1st, 2018), and was therefore a candidate for classification through an automated scoring system. Utilizing variant allele frequency, disease prevalence and penetrance estimates, and inheritance mode, an automated score was calculated to assess if this variant is too frequent to cause the disease. Based on the score and internal cut-off values, a variant classified as benign is not then subjected to further curation. The score for this variant resulted in a classification of benign for this disease.

Breakthrough Genomics
Classification: Benign. Review status: criteria provided, single submitter. Criteria: ACMG Guidelines, 2015. Collection method: not provided. Allele origin: germline. Inheritance: Autosomal recessive inheritance. Affected: yes.

NM_130837.3(OPA1):c.*1425G>A

Gene: OPA1 (OPA1 mitochondrial dynamin like GTPase; plus strand). Cytogenetic location: 3q29.
Variant type: single nucleotide variant.
Coding change: c.*1425G>A on transcript NM_130837.3 (MANE Select); 1425 bases downstream of the stop codon, G replaced by A.
Molecular consequence: 3 prime UTR variant.
Genome position (GRCh38, 1-based): chr3:193,696,025, G>A. VCF-style: chr3-193696025-G-A. GRCh37 (hg19) VCF-style: chr3-193413814-G-A.
Other names: c.*1425G>A (NM_001354663.2, NM_001354664.2, NM_015560.3 and 6 more transcripts).
Identifiers: ClinVar variation 344502 (VCV000344502.6), dbSNP rs117826024, ClinGen allele CA10615979.